The following is an entry in ClinVar:

ClinVar aggregate classification (germline): Uncertain significance (1 of 4 stars; one submission).

Conditions:
Oligodontia-cancer predisposition syndrome. Also called: TOOTH AGENESIS-COLORECTAL CANCER SYNDROME. Identifiers: Orphanet 300576, MedGen C1837750, MONDO:0012075, OMIM 608615. Disease mechanism: loss of function.

Submission:

Labcorp Genetics (formerly Invitae), Labcorp
Classification: Uncertain significance for Oligodontia-cancer predisposition syndrome. Last evaluated: 2023-07-08. Review status: criteria provided, single submitter. Criteria: Invitae Variant Classification Sherloc (09022015). Collection method: clinical testing. Allele origin: germline.
Comment: This variant, c.1532_1534del, results in the deletion of 1 amino acid(s) of the AXIN2 protein (p.Thr511del), but otherwise preserves the integrity of the reading frame. In summary, the available evidence is currently insufficient to determine the role of this variant in disease. Therefore, it has been classified as a Variant of Uncertain Significance. Experimental studies and prediction algorithms are not available or were not evaluated, and the functional significance of this variant is currently unknown. This variant has not been reported in the literature in individuals affected with AXIN2-related conditions. This variant is not present in population databases (gnomAD no frequency).

NM_004655.4(AXIN2):c.1529CGA[1] (p.Thr511del)

Gene: AXIN2 (axin 2; minus strand). Cytogenetic location: 17q24.1.
Variant type: Microsatellite.
Coding change: c.1529CGA[1] on transcript NM_004655.4 (MANE Select); one copy of the 3-base unit CGA starting at c.1529; the reference has two copies in a row; one copy, 3 bases deleted.
Protein change: p.Thr511del; deletes threonine 511.
Molecular consequence: inframe deletion.
Genome position (GRCh38, 1-based): chr17:65,537,502-65,537,504, TCG deleted on the plus strand (CGA on the coding strand, the reverse complement: AXIN2 is on the minus strand); deleting any 3 consecutive bases within chr17:65,537,502-65,537,509 gives the same sequence; the position shown is the placement nearest the transcript's 3' end. VCF-style (leftmost placement, unchanged base first): chr17-65537501-TTCG-T. GRCh37 (hg19) VCF-style: chr17-63533619-TTCG-T.
Other names: c.1529CGA[1], p.Thr511del (NM_001363813.1); short protein forms T511del.
Identifiers: ClinVar variation 2738887 (VCV002738887.3), dbSNP rs2509413489, ClinGen allele CA2639405640.